The following is an entry in ClinVar:

NM_000465.4(BARD1):c.215+4A>C

Gene: BARD1 (BRCA1 associated RING domain 1; minus strand). Cytogenetic location: 2q35.
Variant type: single nucleotide variant.
Coding change: c.215+4A>C on transcript NM_000465.4 (MANE Select); 4 bases into the intron after coding-DNA position 215, A replaced by C.
Molecular consequence: intron variant.
Genome position (GRCh38, 1-based): chr2:214,797,057, T>G on the plus strand (A>C on the coding strand, the complement: BARD1 is on the minus strand). VCF-style: chr2-214797057-T-G. GRCh37 (hg19) VCF-style: chr2-215661781-T-G.
Other names: c.158+12355A>C (NM_001282548.2); c.159-4612A>C (NM_001282543.2); c.215+4A>C (NM_001282545.2, NM_001282549.2).
Identifiers: ClinVar variation 1786735 (VCV001786735.3), dbSNP rs1236748799, ClinGen allele CA2580065616.

ClinVar aggregate classification (germline): Uncertain significance (1 of 4 stars; one submission).

Conditions:
Hereditary cancer-predisposing syndrome. Also called: Neoplastic Syndromes, Hereditary; Tumor predisposition; Hereditary Cancer Syndrome; Hereditary neoplastic syndrome. Identifiers: Orphanet 140162, MedGen C0027672, MeSH D009386, MONDO:0015356.

gnomAD v4.1: 1 of 1,606,916 alleles (0.000062%); no homozygotes.

Submission:

Ambry Genetics
Classification: Uncertain significance for Hereditary cancer-predisposing syndrome. Last evaluated: 2025-03-03. Review status: criteria provided, single submitter. Criteria: Ambry Variant Classification Scheme 2023. Collection method: clinical testing. Allele origin: germline.
Comment: The c.215+4A>C intronic variant results from an A to C substitution 4 nucleotides after coding exon 2 in the BARD1 gene. This nucleotide position is highly conserved in available vertebrate species. In silico splice site analysis for this alteration is inconclusive. Based on the available evidence, the clinical significance of this variant remains unclear.